The following is an entry in ClinVar:

ClinVar aggregate classification (germline): Conflicting classifications of pathogenicity. Review status: criteria provided, conflicting classifications (1 of 4 stars). 12 submissions from 11 submitters: Uncertain significance (3); Benign (2); Likely benign (6). 1 of the submissions does not count toward it. Last evaluated 2026-01-20.

Conditions:
RBM20-related disorder. Also called: RBM20-related condition.
Cardiovascular phenotype. Identifiers: MedGen CN230736.
Primary dilated cardiomyopathy (DCM). Also called: Dilated Cardiomyopathy. Identifiers: Orphanet 217604, MedGen C0007193, MeSH D002311, MONDO:0005021, HP:0001644. Inheritance: Various modes of inheritance.
Dilated cardiomyopathy 1DD (CMD1DD). Identifiers: Orphanet 154, MedGen C2750995, MONDO:0013168, OMIM 613172.

Allele frequency attached by ClinVar (database versions not stated): gnomAD 0.00006 and 0.00009; gnomAD exomes 0.00009 and 0.00028; ExAC 0.00010; TOPMed 0.00018; 1000 Genomes Project 0.00060; 1000 Genomes Project 30x 0.00062.
gnomAD v4.1: 144 of 1,551,604 alleles (0.0093%); highest among the groups gnomAD compares: East Asian, 0.2%; no homozygotes.

Submissions (12):

Labcorp Genetics (formerly Invitae), Labcorp
Classification: Benign for Dilated cardiomyopathy 1DD. Last evaluated: 2026-01-20. Review status: criteria provided, single submitter. Criteria: Invitae Variant Classification Sherloc (09022015). Collection method: clinical testing. Allele origin: germline.

PreventionGenetics, part of Exact Sciences
Classification: Likely benign for RBM20-related condition. Last evaluated: 2025-11-22. Review status: criteria provided, single submitter. Criteria: ACMG Guidelines, 2015. Collection method: clinical testing. Allele origin: germline.
Comment: This variant is classified as likely benign based on ACMG/AMP sequence variant interpretation guidelines (Richards et al. 2015 PMID: 25741868, with internal and published modifications).

CeGaT Center for Human Genetics Tuebingen
Classification: Likely benign. Last evaluated: 2025-10-01. Review status: criteria provided, single submitter. Criteria: CeGaT Center For Human Genetics Tuebingen Variant Classification Criteria Version 2. Collection method: clinical testing. Allele origin: germline. Affected: yes. Observed: 1 variant allele.
Comment: RBM20: BS1

ARUP Laboratories, Molecular Genetics and Genomics, ARUP Laboratories
Classification: Likely benign for Dilated cardiomyopathy 1DD. Last evaluated: 2024-01-03. Review status: criteria provided, single submitter. Criteria: ARUP Molecular Germline Variant Investigation Process 2024. Collection method: clinical testing. Allele origin: germline.

Clinical Center for Gene Diagnosis and Therapy, Department of Cardiovascular Surgery, The Second Xiangya Hospital of Central South University
Classification: Uncertain significance for Dilated cardiomyopathy 1DD. Last evaluated: 2023-06-01. Review status: criteria provided, single submitter. Criteria: ACMG Guidelines, 2015. Collection method: clinical testing. Allele origin: germline. Affected: yes.

Clinical Center for Gene Diagnosis and Therapy, Department of Cardiovascular Surgery, The Second Xiangya Hospital of Central South University
Classification: Uncertain significance for Primary dilated cardiomyopathy. Last evaluated: 2023-06-01. Review status: criteria provided, single submitter. Criteria: ACMG Guidelines, 2015. Collection method: clinical testing. Allele origin: germline. Affected: yes.

Women's Health and Genetics/Laboratory Corporation of America, LabCorp
Classification: Likely benign. Last evaluated: 2023-05-15. Review status: criteria provided, single submitter. Criteria: LabCorp Variant Classification Summary - May 2015. Collection method: clinical testing. Allele origin: germline.

Blueprint Genetics
Classification: Likely benign. Last evaluated: 2023-03-28. Review status: criteria provided, single submitter. Criteria: ACMG Guidelines, 2015. Collection method: clinical testing. Allele origin: germline.

Ambry Genetics
Classification: Benign for Cardiovascular phenotype. Last evaluated: 2021-05-03. Review status: criteria provided, single submitter. Criteria: Ambry Variant Classification Scheme 2023. Collection method: clinical testing. Allele origin: germline.

GeneDx
Classification: Likely benign. Last evaluated: 2020-02-04. Review status: criteria provided, single submitter. Criteria: GeneDx Variant Classification Process June 2021. Collection method: clinical testing. Allele origin: germline. Affected: yes.
Comment: This variant is associated with the following publications: (PMID: 31918855, 31514951, 30165862, 28416588, 26458567)

Mendelics
Classification: Uncertain significance for Dilated cardiomyopathy 1DD. Last evaluated: 2019-05-28. Review status: criteria provided, single submitter. Criteria: Mendelics Assertion Criteria 2017. Collection method: clinical testing. Allele origin: unknown.

Clinical Molecular Genetics Laboratory, Johns Hopkins All Children's Hospital
Classification: Uncertain significance. Last evaluated: 2015-10-19. Review status: no assertion criteria provided. Collection method: clinical testing. Allele origin: germline. Not counted in ClinVar's aggregate classification.

Literature cited by the submitters: PubMed 26458567 (cited by Ambry Genetics); PubMed 30165862 (cited by Ambry Genetics); PubMed 31514951 (cited by Ambry Genetics); PubMed 31918855 (cited by Ambry Genetics).

NM_001134363.3(RBM20):c.3545G>A (p.Arg1182His)

Gene: RBM20 (RNA binding motif protein 20; plus strand). Cytogenetic location: 10q25.2.
Variant type: single nucleotide variant.
Coding change: c.3545G>A on transcript NM_001134363.3 (MANE Select); coding-DNA position 3545, G replaced by A.
Protein change: p.Arg1182His; replaces arginine 1182 with histidine.
Molecular consequence: missense variant.
Genome position (GRCh38, 1-based): chr10:110,831,154, G>A. VCF-style: chr10-110831154-G-A. GRCh37 (hg19) VCF-style: chr10-112590912-G-A.
Other names: c.3545G>A (LRG_382t1); short protein forms R1182H.
Identifiers: ClinVar variation 180484 (VCV000180484.37), dbSNP rs563762318, ClinGen allele CA346605.